The following is an entry in ClinVar:

NM_000632.4(ITGAM):c.1429A>G (p.Ile477Val)

Gene: ITGAM (integrin subunit alpha M; plus strand). Cytogenetic location: 16p11.2.
Variant type: single nucleotide variant.
Coding change: c.1429A>G on transcript NM_000632.4 (MANE Select); coding-DNA position 1429, A replaced by G.
Protein change: p.Ile477Val; replaces isoleucine 477 with valine.
Molecular consequence: missense variant.
Genome position (GRCh38, 1-based): chr16:31,297,586, A>G. VCF-style: chr16-31297586-A-G. GRCh37 (hg19) VCF-style: chr16-31308907-A-G.
Other names: c.1429A>G, p.Ile477Val (NM_001145808.2); c.1429A>G (NM_000632.3); short protein forms I477V.
Identifiers: ClinVar variation 1517608 (VCV001517608.9), dbSNP rs376855641, ClinGen allele CA8025545.

ClinVar aggregate classification (germline): Uncertain significance. Review status: criteria provided, multiple submitters, no conflicts (2 of 4 stars). 2 submissions from 2 submitters: Uncertain significance (2). Last evaluated 2026-01-18.

Allele frequency attached by ClinVar (database versions not stated): gnomAD exomes 0.00003 and 0.00007; ExAC 0.00007; gnomAD 0.00007 and 0.00010; TOPMed 0.00014; ESP Exome Variant Server 0.00023.
gnomAD v4.1: 69 of 1,612,520 alleles (0.0043%); highest among the groups gnomAD compares: East Asian, 0.02%; no homozygotes.

Submissions (2):

Labcorp Genetics (formerly Invitae), Labcorp
Classification: Uncertain significance. Last evaluated: 2026-01-18. Review status: criteria provided, single submitter. Criteria: Invitae Variant Classification Sherloc (09022015). Collection method: clinical testing. Allele origin: germline.
Comment: This sequence change replaces isoleucine, which is neutral and non-polar, with valine, which is neutral and non-polar, at codon 477 of the ITGAM protein (p.Ile477Val). This variant is present in population databases (rs376855641, gnomAD 0.03%). This variant has not been reported in the literature in individuals affected with ITGAM-related conditions. ClinVar contains an entry for this variant (Variation ID: 1517608). An algorithm developed to predict the effect of missense changes on protein structure and function outputs the following: PolyPhen-2: "Benign". The valine amino acid residue is found in multiple mammalian species, which suggests that this missense change does not adversely affect protein function. In summary, the available evidence is currently insufficient to determine the role of this variant in disease. Therefore, it has been classified as a Variant of Uncertain Significance.

Ambry Genetics
Classification: Uncertain significance. Last evaluated: 2023-12-19. Review status: criteria provided, single submitter. Criteria: Ambry Variant Classification Scheme 2023. Collection method: clinical testing. Allele origin: germline.